The following is an entry in ClinVar:

NM_003159.2(CDKL5):c.404-?_554+?del

Gene: CDKL5 (cyclin dependent kinase like 5; plus strand).
Variant type: Deletion.
Coding change: c.404-?_554+?del on transcript NM_003159.2.
Identifiers: ClinVar variation 189587 (VCV000189587.2).

ClinVar aggregate classification (germline): Pathogenic (0 of 4 stars; one submission).

Conditions:
Atypical Rett syndrome. Also called: Rett like syndrome; Variant Rett Syndrome. Identifiers: Orphanet 3095, MedGen C2748910, MONDO:0017746.

Submission:

RettBASE
Classification: Pathogenic for Atypical Rett syndrome. Last evaluated: 2014-03-13. Review status: no assertion criteria provided. Collection method: curation. Allele origin: unknown. Affected: yes. Observed: 1 variant allele.
Comment: Protein effect not experimentally verified

Literature cited by the submitters: PubMed 22430159.